The following is an entry in ClinVar:

ClinVar aggregate classification (germline): Pathogenic. Review status: criteria provided, single submitter (1 of 4 stars). 2 submissions from 2 submitters: Pathogenic (1). 1 of the submissions does not count toward it. Last evaluated 2025-09-16.

Conditions:
Breast-ovarian cancer, familial, susceptibility to, 1 (BROVCA1). Also called: BRCA1 Hereditary Breast and Ovarian Cancer; OVARIAN CANCER, SUSCEPTIBILITY TO. Identifiers: Orphanet 145, MedGen C2676676, MONDO:0011450, OMIM 604370. Disease mechanism: loss of function.
Malignant tumor of breast. Also called: Malignant breast neoplasm; Cancer breast. Identifiers: MedGen C0006142, MONDO:0007254. Disease mechanism: loss of function.

Submissions (2):

Myriad Genetics, Inc.
Classification: Pathogenic for Breast-ovarian cancer, familial, susceptibility to, 1. Last evaluated: 2025-09-16. Review status: criteria provided, single submitter. Criteria: Myriad Autosomal Dominant, Autosomal Recessive and X-Linked Classification Criteria (2023). Collection method: clinical testing. Allele origin: unknown.
Comment: This variant is considered pathogenic. This variant creates a frameshift predicted to result in premature protein truncation.

Department of Pathology and Laboratory Medicine, Sinai Health System
Classification: Pathogenic for Malignant tumor of breast. Review status: no assertion criteria provided. Collection method: clinical testing. Allele origin: unknown. Affected: yes. Study: The Canadian Open Genetics Repository (COGR). Not counted in ClinVar's aggregate classification.
Comment: The BRCA1 p.Thr367Metfs*7 variant was not identified in the literature nor was it identified in the dbSNP, ClinVar, or LOVD 3.0 databases. The variant was not identified in the following control databases: the Exome Aggregation Consortium (August 8th 2016), or the Genome Aggregation Database (Feb 27, 2017). The c.1100del variant is predicted to cause a frameshift, which alters the protein's amino acid sequence beginning at codon 367 and leads to a premature stop codon at position 374. This alteration is then predicted to result in a truncated or absent protein and loss of function. Loss of function variants of the BRCA1 gene are an established mechanism of disease in Hereditary Breast and Ovarian Cancer and is the type of variant expected to cause the disorder. In summary, based on the above information this variant meets our laboratoryâ€šÃ„Ã´s criteria to be classified as pathogenic.

NM_007294.4(BRCA1):c.1100del (p.Thr367fs)

Gene: BRCA1 (BRCA1 DNA repair associated; minus strand). Cytogenetic location: 17q21.31.
Variant type: Deletion.
Coding change: c.1100del on transcript NM_007294.4 (MANE Select); coding-DNA position 1100, one base deleted (C; older notation c.1100delC).
Protein change: p.Thr367fs; shifts the reading frame from threonine 367.
Molecular consequence: frameshift variant. On other transcripts: intron variant (137).
Genome position (GRCh38, 1-based): chr17:43,094,431, G deleted on the plus strand (C on the coding strand, the reverse complement: BRCA1 is on the minus strand). VCF-style (leftmost placement, unchanged base first): chr17-43094430-AG-A. GRCh37 (hg19) VCF-style: chr17-41246447-AG-A.
Other names: c.887del, p.Thr296fs (NM_001407571.1, NM_001407853.1, NM_001407894.1 and 9 more transcripts); c.1100del, p.Thr367fs (NM_001407581.1, NM_001407582.1, NM_001407583.1 and 30 more transcripts); c.1097del, p.Thr366fs (NM_001407587.1, NM_001407590.1, NM_001407591.1 and 22 more transcripts); c.977del, p.Thr326fs (NM_001407683.1, NM_001407648.1, NM_001407664.1 and 19 more transcripts); c.974del, p.Thr325fs (NM_001407685.1, NM_001407686.1, NM_001407687.1 and 11 more transcripts); c.959del, p.Thr320fs (NM_001407692.1, NM_001407694.1, NM_001407695.1 and 29 more transcripts); c.1091del, p.Thr364fs (NM_001407646.1, NM_001407647.1); c.956del, p.Thr319fs (NM_001407740.1, NM_001407741.1, NM_001407742.1 and 20 more transcripts); and 40 more; short protein forms T320fs, T367fs, T256fs, T278fs, T296fs, T366fs, T239fs, T279fs.
Identifiers: ClinVar variation 1049239 (VCV001049239.4), dbSNP rs2154476126, ClinGen allele CA2499224561.